The following is an entry in ClinVar:

NM_152641.4(ARID2):c.4318_4319del (p.Gln1440fs)

Gene: ARID2 (AT-rich interaction domain 2; plus strand). Cytogenetic location: 12q12.
Variant type: Microsatellite.
Coding change: c.4318_4319del on transcript NM_152641.4 (MANE Select); coding-DNA positions 4318 to 4319, 2 bases deleted (CA; older notation c.4318_4319delCA).
Protein change: p.Gln1440fs; shifts the reading frame from glutamine 1440.
Molecular consequence: frameshift variant.
Genome position (GRCh38, 1-based): chr12:45,852,441-45,852,442, CA deleted; deleting any 2 consecutive bases within chr12:45,852,438-45,852,442 gives the same sequence; the c. name uses the placement nearest the transcript's 3' end. VCF-style (leftmost placement, unchanged base first): chr12-45852437-AAC-A. GRCh37 (hg19) VCF-style: chr12-46246220-AAC-A.
Other names: c.4318_4319del, p.Gln1440fs (NM_001347839.2); short protein forms Q1440fs.
Identifiers: ClinVar variation 818059 (VCV000818059.1), dbSNP rs1592121752, ClinGen allele CA915948261.

ClinVar aggregate classification (germline): Pathogenic (1 of 4 stars; one submission).

Submission:

GeneDx
Classification: Pathogenic. Last evaluated: 2019-03-13. Review status: criteria provided, single submitter. Criteria: GeneDx Variant Classification (06012015). Collection method: clinical testing. Allele origin: germline. Affected: yes.
Comment: The c.4318_4319delCA pathogenic variant in the ARID2 gene has not been reported previously as a pathogenic variant, nor as a benign variant, to our knowledge. The c.4318_4319delCA variant causes a frameshift starting with codon Glutamine 1440, changes this amino acid to an Alanine residue, and creates a premature Stop codon at position 3 of the new reading frame, denoted p.Gln1440AlafsX3. This variant is predicted to cause loss of normal protein function either through protein truncation or nonsense-mediated mRNA decay. The c.4318_4319delCA variant is not observed in large population cohorts (Lek et al., 2016). We interpret c.4318_4319delCA as a pathogenic variant.